The following is an entry in ClinVar:

NM_000059.4(BRCA2):c.7679_7680del (p.Phe2560fs)

Gene: BRCA2 (BRCA2 DNA repair associated; plus strand). Cytogenetic location: 13q13.1.
Variant type: Deletion.
Coding change: c.7679_7680del on transcript NM_000059.4 (MANE Select); coding-DNA positions 7679 to 7680, 2 bases deleted (TT; older notation c.7679_7680delTT).
Protein change: p.Phe2560fs; shifts the reading frame from phenylalanine 2560.
Molecular consequence: frameshift variant.
Genome position (GRCh38, 1-based): chr13:32,357,803-32,357,804, TT deleted; deleting any 2 consecutive bases within chr13:32,357,801-32,357,804 gives the same sequence; the c. name uses the placement nearest the transcript's 3' end. VCF-style (leftmost placement, unchanged base first): chr13-32357800-CTT-C. GRCh37 (hg19) VCF-style: chr13-32931937-CTT-C.
Other names: 7907delTT; c.7679_7680delTT (NM_000059.3).
Identifiers: ClinVar variation 52381 (VCV000052381.27), dbSNP rs80359673, ClinGen allele CA025223.
Genomic context (GRCh38, chr13:32,357,800, plus strand): 5'-AGCTGTATACGTATGGCGTTTCTAAACATTGCATAAAAATTAACAGCAAAAATGCAGAGT[CTT>C]TTCAGTTTCACACTGAAGATTATTTTGGTAAGGAAAGTTTATGGACTGGAAAAGGAATAC-3'

ClinVar aggregate classification (germline): Pathogenic. Review status: reviewed by expert panel (3 of 4 stars). 11 submissions from 11 submitters: Pathogenic (1). 10 of the submissions do not count toward it. Last evaluated 2016-09-08.

Conditions:
Hereditary breast ovarian cancer syndrome. Also called: Hereditary breast and ovarian cancer syndrome; Hereditary breast and ovarian cancer; Hereditary breast and ovarian cancer syndrome (HBOC); Breast and ovarian cancer; Hereditary breast and/or ovarian cancer syndrome; BRCA1- and BRCA2-Associated Hereditary Breast and Ovarian Cancer. Identifiers: Orphanet 145, MedGen C0677776, MeSH D061325, MONDO:0003582. Disease mechanism: loss of function.
Familial cancer of breast. Also called: BREAST CANCER, FAMILIAL; Hereditary breast cancer; hereditary breast carcinoma. Identifiers: Orphanet 227535, MedGen C0346153, MONDO:0016419, OMIM 114480. Disease mechanism: loss of function.
Hereditary cancer-predisposing syndrome. Also called: Neoplastic Syndromes, Hereditary; Tumor predisposition; Hereditary neoplastic syndrome; Hereditary Cancer Syndrome. Identifiers: Orphanet 140162, MedGen C0027672, MeSH D009386, MONDO:0015356.
Breast-ovarian cancer, familial, susceptibility to, 2 (BROVCA2). Also called: BRCA2 Hereditary Breast and Ovarian Cancer. Identifiers: Orphanet 145, MedGen C2675520, MONDO:0012933, OMIM 612555. Disease mechanism: loss of function.

Submissions (11):

Evidence-based Network for the Interpretation of Germline Mutant Alleles (ENIGMA)
Classification: Pathogenic for Breast-ovarian cancer, familial, susceptibility to, 2. Last evaluated: 2016-09-08. Review status: reviewed by expert panel. Criteria: ENIGMA BRCA1/2 Classification Criteria (2015). Collection method: curation. Allele origin: germline.
Comment: Variant allele predicted to encode a truncated non-functional protein.

Labcorp Genetics (formerly Invitae), Labcorp
Classification: Pathogenic for Hereditary breast ovarian cancer syndrome. Last evaluated: 2025-11-25. Review status: criteria provided, single submitter. Criteria: Invitae Variant Classification Sherloc (09022015). Collection method: clinical testing. Allele origin: germline. Not counted in ClinVar's aggregate classification.
Comment: This sequence change creates a premature translational stop signal (p.Phe2560Serfs*5) in the BRCA2 gene. It is expected to result in an absent or disrupted protein product. Loss-of-function variants in BRCA2 are known to be pathogenic (PMID: 20104584). This variant is not present in population databases (gnomAD no frequency). This premature translational stop signal has been observed in individual(s) with breast cancer (PMID: 9654203, 28724667). This variant is also known as 7908delTT and c.7677_7678del. ClinVar contains an entry for this variant (Variation ID: 52381). For these reasons, this variant has been classified as Pathogenic.

Color Diagnostics, LLC DBA Color Health
Classification: Pathogenic for Hereditary cancer-predisposing syndrome. Last evaluated: 2025-08-26. Review status: criteria provided, single submitter. Criteria: ACMG Guidelines, 2015. Collection method: clinical testing. Allele origin: germline. Not counted in ClinVar's aggregate classification.
Comment: This variant deletes 2 nucleotides in exon 16 of the BRCA2 gene, creating a frameshift and premature translation stop signal. This variant is expected to result in an absent or non-functional protein product. This variant has been reported in individuals affected with breast and/or ovarian cancer (PMID: 9654203, 30322717, 31825140, 32098980, 33067557, 33403015, 35864222). This variant has not been identified in the general population by the Genome Aggregation Database (gnomAD). Loss of BRCA2 function is a known mechanism of disease. Based on the available evidence, this variant is classified as Pathogenic.

Ambry Genetics
Classification: Pathogenic for Hereditary cancer-predisposing syndrome. Last evaluated: 2024-03-22. Review status: criteria provided, single submitter. Criteria: Ambry Variant Classification Scheme 2023. Collection method: clinical testing. Allele origin: germline. Not counted in ClinVar's aggregate classification.
Comment: The c.7679_7680delTT pathogenic mutation, located in coding exon 15 of the BRCA2 gene, results from a deletion of two nucleotides at nucleotide positions 7679 to 7680, causing a translational frameshift with a predicted alternate stop codon (p.F2560Sfs*5). This alteration was reported in a patient with a personal and family history of early onset breast cancer (Ganguly T et al. Hum. Genet., 1998 May;102:549-56). This alteration was also identified once in a large, worldwide study of BRCA1/2 mutation positive families (Rebbeck TR et al. Hum. Mutat., 2018 05;39:593-620). This variant is considered to be rare based on population cohorts in the Genome Aggregation Database (gnomAD). In addition to the clinical data presented in the literature, this alteration is expected to result in loss of function by premature protein truncation or nonsense-mediated mRNA decay. As such, this alteration is interpreted as a disease-causing mutation.

Women's Health and Genetics/Laboratory Corporation of America, LabCorp
Classification: Pathogenic for Hereditary breast ovarian cancer syndrome. Last evaluated: 2022-10-21. Review status: criteria provided, single submitter. Criteria: LabCorp Variant Classification Summary - May 2015. Collection method: clinical testing. Allele origin: germline. Not counted in ClinVar's aggregate classification.
Comment: Variant summary: BRCA2 c.7679_7680delTT (p.Phe2560SerfsX5) results in a premature termination codon, predicted to cause a truncation of the encoded protein or absence of the protein due to nonsense mediated decay, which are commonly known mechanisms for disease. Truncations downstream of this position have been classified as pathogenic by our laboratory. The variant was absent in 251294 control chromosomes (gnomAD). c.7679_7680delTT has been reported in the literature in multiple individuals affected with Hereditary Breast And Ovarian Cancer Syndrome (e.g. Ganguly_1998, Carter_2018, Rebbeck_2018, Inagaki-Kawata_2020). These data indicate that the variant is very likely to be associated with disease. Six ClinVar submitters including an expert panel (ENIGMA) (evaluation after 2014) cite the variant as pathogenic. Based on the evidence outlined above, the variant was classified as pathogenic.

Baylor Genetics
Classification: Pathogenic for Familial cancer of breast. Last evaluated: 2022-05-23. Review status: criteria provided, single submitter. Criteria: ACMG Guidelines, 2015. Collection method: clinical testing. Allele origin: unknown. Not counted in ClinVar's aggregate classification.

GeneDx
Classification: Pathogenic. Last evaluated: 2022-02-23. Review status: criteria provided, single submitter. Criteria: GeneDx Variant Classification Process June 2021. Collection method: clinical testing. Allele origin: germline. Affected: yes. Not counted in ClinVar's aggregate classification.
Comment: Frameshift variant predicted to result in protein truncation or nonsense mediated decay in a gene for which loss-of-function is a known mechanism of disease; Not observed at significant frequency in large population cohorts (gnomAD); Truncating variants in this gene are considered pathogenic by a well-established clinical consortium and/or database; Also known as 7907_7908delTT and 7907del2; This variant is associated with the following publications: (PMID: 12491487, 9654203, 30322717, 31825140, 29907814, 29446198, 28724667)

Genomic Research Center, Shahid Beheshti University of Medical Sciences
Classification: Pathogenic for Breast-ovarian cancer, familial 2. Last evaluated: 2020-05-03. Review status: criteria provided, single submitter. Criteria: ACMG Guidelines, 2015. Collection method: clinical testing. Allele origin: unknown. Affected: yes. Not counted in ClinVar's aggregate classification.

Consortium of Investigators of Modifiers of BRCA1/2 (CIMBA), c/o University of Cambridge
Classification: Pathogenic for Breast-ovarian cancer, familial, susceptibility to, 2. Last evaluated: 2015-10-02. Review status: criteria provided, single submitter. Criteria: CIMBA Mutation Classification guidelines May 2016. Collection method: clinical testing. Allele origin: germline. Not counted in ClinVar's aggregate classification.

Sharing Clinical Reports Project (SCRP)
Classification: Pathogenic for Breast-ovarian cancer, familial 2. Last evaluated: 2010-05-11. Review status: no assertion criteria provided. Collection method: clinical testing. Allele origin: germline. Not counted in ClinVar's aggregate classification.

Breast Cancer Information Core (BIC) (BRCA2)
Classification: Pathogenic for Breast-ovarian cancer, familial 2. Last evaluated: 2006-07-19. Review status: no assertion criteria provided. Collection method: clinical testing. Allele origin: germline. Affected: yes. Observed: 2 variant alleles. Not counted in ClinVar's aggregate classification.

Literature cited by the submitters: PubMed 20104584 (cited by Labcorp Genetics (formerly Invitae), Labcorp); PubMed 9654203 (cited by 4 submitters); PubMed 28724667 (cited by Labcorp Genetics (formerly Invitae), Labcorp); PubMed 30322717 (cited by Color Diagnostics, LLC DBA Color Health and Women's Health and Genetics/Laboratory Corporation of America, LabCorp); PubMed 31825140 (cited by Color Diagnostics, LLC DBA Color Health); PubMed 32098980 (cited by Color Diagnostics, LLC DBA Color Health); PubMed 33067557 (cited by Color Diagnostics, LLC DBA Color Health and Women's Health and Genetics/Laboratory Corporation of America, LabCorp); PubMed 33403015 (cited by Color Diagnostics, LLC DBA Color Health); PubMed 35864222 (cited by Color Diagnostics, LLC DBA Color Health); PubMed 12491487 (cited by Ambry Genetics); PubMed 29446198 (cited by Ambry Genetics and Women's Health and Genetics/Laboratory Corporation of America, LabCorp); PubMed 29907814 (cited by Ambry Genetics).